The following is an entry in ClinVar:

ClinVar aggregate classification (germline): Uncertain significance (1 of 4 stars; one submission).

Conditions:
STING-associated vasculopathy with onset in infancy. Also called: Sting-associated vasculopathy, infantile-onset. Identifiers: Orphanet 425120, MedGen C4014722, MONDO:0014405, OMIM 615934.

Allele frequency attached by ClinVar (database versions not stated): gnomAD exomes below 0.00001; TOPMed 0.00002.
gnomAD v4.1: 5 of 1,614,010 alleles (0.00031%); highest among the groups gnomAD compares: Admixed American, 0.0033%; no homozygotes.

Submission:

Labcorp Genetics (formerly Invitae), Labcorp
Classification: Uncertain significance for STING-associated vasculopathy with onset in infancy. Last evaluated: 2023-10-23. Review status: criteria provided, single submitter. Criteria: Invitae Variant Classification Sherloc (09022015). Collection method: clinical testing. Allele origin: germline.
Comment: This sequence change creates a premature translational stop signal (p.Arg180*) in the TMEM173 gene. It is expected to result in an absent or disrupted protein product. However, the current clinical and genetic evidence is not sufficient to establish whether loss-of-function variants in TMEM173 cause disease. This variant is present in population databases (no rsID available, gnomAD 0.003%). This variant has not been reported in the literature in individuals affected with TMEM173-related conditions. Algorithms developed to predict the effect of sequence changes on RNA splicing suggest that this variant may disrupt the consensus splice site. In summary, the available evidence is currently insufficient to determine the role of this variant in disease. Therefore, it has been classified as a Variant of Uncertain Significance.

NM_198282.4(STING1):c.538C>T (p.Arg180Ter)

Gene: STING1 (stimulator of interferon response cGAMP interactor 1; minus strand). Cytogenetic location: 5q31.2.
Variant type: single nucleotide variant.
Coding change: c.538C>T on transcript NM_198282.4 (MANE Select); coding-DNA position 538, C replaced by T.
Protein change: p.Arg180Ter; replaces arginine 180 with a stop codon.
Molecular consequence: nonsense.
Genome position (GRCh38, 1-based): chr5:139,478,491, G>A on the plus strand (C>T on the coding strand, the complement: STING1 is on the minus strand). VCF-style: chr5-139478491-G-A. GRCh37 (hg19) VCF-style: chr5-138858076-G-A.
Other names: c.538C>T, p.Arg180Ter (NM_001301738.2); c.181C>T, p.Arg61Ter (NM_001367258.1); short protein forms R61*, R180*.
Identifiers: ClinVar variation 2702347 (VCV002702347.2), dbSNP rs1248505100, ClinGen allele CA361480327.
Genomic context (GRCh38, chr5:139,478,491, plus strand): 5'-TATACAGCCGCTGGCTCACTGCACCCCGTAGCAGGTTGTTGTAATGCTGATTGTAAGTTC[G>A]AATCCGGGCCTGGAGCTCTGAGGCAGGGAAGCCCAAGAAGTTATTCCTGCTAACCCTATC-3'